The following is an entry in ClinVar:

ClinVar aggregate classification (germline): Uncertain significance (1 of 4 stars; one submission).

Conditions:
Sulfite oxidase deficiency. Also called: Isolated sulfite oxidase deficiency. Identifiers: Orphanet 833, Orphanet 99731, MedGen C0268624, MONDO:0010089, OMIM 272300, HP:0003643.

Allele frequency attached by ClinVar (database versions not stated): gnomAD exomes below 0.00001.
gnomAD v4.1: 4 of 1,614,154 alleles (0.00025%); highest among the groups gnomAD compares: Non-Finnish European, 0.00025%; no homozygotes.

Submission:

Labcorp Genetics (formerly Invitae), Labcorp
Classification: Uncertain significance for Sulfite oxidase deficiency. Last evaluated: 2021-06-21. Review status: criteria provided, single submitter. Criteria: Invitae Variant Classification Sherloc (09022015). Collection method: clinical testing. Allele origin: germline.
Comment: This sequence change replaces glutamic acid with aspartic acid at codon 478 of the SUOX protein (p.Glu478Asp). The glutamic acid residue is highly conserved and there is a small physicochemical difference between glutamic acid and aspartic acid. In summary, the available evidence is currently insufficient to determine the role of this variant in disease. Therefore, it has been classified as a Variant of Uncertain Significance. Algorithms developed to predict the effect of missense changes on protein structure and function (SIFT, PolyPhen-2, Align-GVGD) all suggest that this variant is likely to be tolerated, but these predictions have not been confirmed by published functional studies and their clinical significance is uncertain. This variant has not been reported in the literature in individuals with SUOX-related conditions. This variant is not present in population databases (ExAC no frequency).

NM_001032386.2(SUOX):c.1434G>C (p.Glu478Asp)

Gene: SUOX (sulfite oxidase; plus strand). Cytogenetic location: 12q13.2.
Variant type: single nucleotide variant.
Coding change: c.1434G>C on transcript NM_001032386.2 (MANE Select); coding-DNA position 1434, G replaced by C.
Protein change: p.Glu478Asp; replaces glutamic acid 478 with aspartic acid.
Molecular consequence: missense variant.
Genome position (GRCh38, 1-based): chr12:56,004,823, G>C. VCF-style: chr12-56004823-G-C. GRCh37 (hg19) VCF-style: chr12-56398607-G-C.
Other names: c.1434G>C, p.Glu478Asp (NM_000456.3, NM_001032387.2); short protein forms E478D.
Identifiers: ClinVar variation 1420987 (VCV001420987.9), dbSNP rs2136513270, ClinGen allele CA385294854.